The following is an entry in ClinVar:

NM_006231.4(POLE):c.886A>G (p.Ile296Val)

Gene: POLE (DNA polymerase epsilon, catalytic subunit; minus strand). Cytogenetic location: 12q24.33.
Variant type: single nucleotide variant.
Coding change: c.886A>G on transcript NM_006231.4 (MANE Select); coding-DNA position 886, A replaced by G.
Protein change: p.Ile296Val; replaces isoleucine 296 with valine.
Molecular consequence: missense variant.
Genome position (GRCh38, 1-based): chr12:132,676,569, T>C on the plus strand (A>G on the coding strand, the complement: POLE is on the minus strand). VCF-style: chr12-132676569-T-C. GRCh37 (hg19) VCF-style: chr12-133253155-T-C.
Other names: c.886A>G (NM_006231.2); short protein forms I296V.
Identifiers: ClinVar variation 473837 (VCV000473837.7), dbSNP rs1555229409, ClinGen allele CA387364208.

ClinVar aggregate classification (germline): Conflicting classifications of pathogenicity. Review status: criteria provided, conflicting classifications (1 of 4 stars). 2 submissions from 2 submitters: Uncertain significance (1); Likely benign (1). Last evaluated 2026-03-13.

Conditions:
Hereditary cancer-predisposing syndrome. Also called: Neoplastic Syndromes, Hereditary; Tumor predisposition; Hereditary neoplastic syndrome; Hereditary Cancer Syndrome. Identifiers: Orphanet 140162, MedGen C0027672, MeSH D009386, MONDO:0015356.

Submissions (2):

Ambry Genetics
Classification: Likely benign for Hereditary cancer-predisposing syndrome. Last evaluated: 2026-03-13. Review status: criteria provided, single submitter. Criteria: Ambry Variant Classification Scheme 2023. Collection method: clinical testing. Allele origin: germline.

Labcorp Genetics (formerly Invitae), Labcorp
Classification: Uncertain significance. Last evaluated: 2024-08-04. Review status: criteria provided, single submitter. Criteria: Invitae Variant Classification Sherloc (09022015). Collection method: clinical testing. Allele origin: germline.
Comment: This sequence change replaces isoleucine, which is neutral and non-polar, with valine, which is neutral and non-polar, at codon 296 of the POLE protein (p.Ile296Val). This variant is not present in population databases (gnomAD no frequency). This variant has not been reported in the literature in individuals affected with POLE-related conditions. ClinVar contains an entry for this variant (Variation ID: 473837). Advanced modeling of protein sequence and biophysical properties (such as structural, functional, and spatial information, amino acid conservation, physicochemical variation, residue mobility, and thermodynamic stability) has been performed at Invitae for this missense variant, however the output from this modeling did not meet the statistical confidence thresholds required to predict the impact of this variant on POLE protein function. In summary, the available evidence is currently insufficient to determine the role of this variant in disease. Therefore, it has been classified as a Variant of Uncertain Significance.